The following is an entry in ClinVar:

NM_001184.4(ATR):c.7217T>A (p.Leu2406His)

Gene: ATR (ATR checkpoint kinase; minus strand). Cytogenetic location: 3q23.
Variant type: single nucleotide variant.
Coding change: c.7217T>A on transcript NM_001184.4 (MANE Select); coding-DNA position 7217, T replaced by A.
Protein change: p.Leu2406His; replaces leucine 2406 with histidine.
Molecular consequence: missense variant.
Genome position (GRCh38, 1-based): chr3:142,459,359, A>T on the plus strand (T>A on the coding strand, the complement: ATR is on the minus strand). VCF-style: chr3-142459359-A-T. GRCh37 (hg19) VCF-style: chr3-142178201-A-T.
Other names: c.7025T>A, p.Leu2342His (NM_001354579.2); short protein forms L2406H, L2342H.
Identifiers: ClinVar variation 2624929 (VCV002624929.2), dbSNP rs2108261978, ClinGen allele CA354798157.
Genomic context (GRCh38, chr3:142,459,359, plus strand): 5'-TCTCGGAATACTTTGAGTTTTTCAGATAAAGCTGCTGACTTTGGTAGCATACACTGGCGA[A>T]GTTCTTTTCCTGTCATATACACTCCTGCAAGGAAGAGTGATATCCATTAATCACATCAGC-3'
Protein context (NP_001175.2, residues 2396-2416): EKGVYMTGKE[Leu2406His]RQCMLPKSAA

ClinVar aggregate classification (germline): Uncertain significance (1 of 4 stars; one submission).

Conditions:
Inborn genetic diseases. Identifiers: MedGen C0950123, MeSH D030342.

Submission:

Ambry Genetics
Classification: Uncertain significance for Inborn genetic diseases. Last evaluated: 2023-06-29. Review status: criteria provided, single submitter. Criteria: Ambry Variant Classification Scheme 2023. Collection method: clinical testing. Allele origin: germline.
Comment: The p.L2406H variant (also known as c.7217T>A), located in coding exon 43 of the ATR gene, results from a T to A substitution at nucleotide position 7217. The leucine at codon 2406 is replaced by histidine, an amino acid with similar properties. This amino acid position is conserved. In addition, this alteration is predicted to be deleterious by in silico analysis. Since supporting evidence is limited at this time, the clinical significance of this alteration remains unclear.